The following is an entry in ClinVar:

ClinVar aggregate classification (germline): Uncertain significance. Review status: criteria provided, multiple submitters, no conflicts (2 of 4 stars). 4 submissions from 4 submitters: Uncertain significance (4). Last evaluated 2026-03-30.

Conditions:
Leukoencephalopathy with brain stem and spinal cord involvement-high lactate syndrome (LBSL). Also called: LEUKOENCEPHALOPATHY WITH BRAINSTEM AND SPINAL CORD INVOLVEMENT AND LACTATE ELEVATION, MILD; MITOCHONDRIAL ASPARTYL-tRNA SYNTHETASE DEFICIENCY; Leukoencephalopathy with Brainstem and Spinal Cord Involvement and Lactate Elevation. Identifiers: Orphanet 137898, MedGen C1970180, MONDO:0012622, OMIM 611105.
Inborn genetic diseases. Identifiers: MedGen C0950123, MeSH D030342.

Allele frequency attached by ClinVar (database versions not stated): gnomAD exomes below 0.00001 and 0.00002; 1000 Genomes Project 0.00040; gnomAD 0.00008 and 0.00009; TOPMed 0.00011; ExAC 0.00004; 1000 Genomes Project 30x 0.00047.
gnomAD v4.1: 18 of 1,592,594 alleles (0.0011%); highest among the groups gnomAD compares: African/African-American, 0.021%; no homozygotes.

Submissions (4):

GeneDx
Classification: Uncertain significance. Last evaluated: 2026-03-30. Review status: criteria provided, single submitter. Criteria: GeneDx Variant Classification Process June 2021. Collection method: clinical testing. Allele origin: germline.
Comment: In silico analysis supports that this missense variant has a deleterious effect on protein structure/function; Has not been previously published as pathogenic or benign to our knowledge

Genome-Nilou Lab
Classification: Uncertain significance for Leukoencephalopathy with brain stem and spinal cord involvement-high lactate syndrome. Last evaluated: 2023-04-11. Review status: criteria provided, single submitter. Criteria: ACMG Guidelines, 2015. Collection method: clinical testing. Allele origin: germline. Affected: no.

Ambry Genetics
Classification: Uncertain significance for Inborn genetic diseases. Last evaluated: 2022-08-17. Review status: criteria provided, single submitter. Criteria: Ambry Variant Classification Scheme 2023. Collection method: clinical testing. Allele origin: germline.

Labcorp Genetics (formerly Invitae), Labcorp
Classification: Uncertain significance. Last evaluated: 2021-12-02. Review status: criteria provided, single submitter. Criteria: Invitae Variant Classification Sherloc (09022015). Collection method: clinical testing. Allele origin: germline.
Comment: This sequence change replaces proline, which is neutral and non-polar, with histidine, which is basic and polar, at codon 373 of the DARS2 protein (p.Pro373His). This variant is present in population databases (rs369412405, gnomAD 0.03%). This variant has not been reported in the literature in individuals affected with DARS2-related conditions. Advanced modeling of protein sequence and biophysical properties (such as structural, functional, and spatial information, amino acid conservation, physicochemical variation, residue mobility, and thermodynamic stability) performed at Invitae indicates that this missense variant is not expected to disrupt DARS2 protein function. In summary, the available evidence is currently insufficient to determine the role of this variant in disease. Therefore, it has been classified as a Variant of Uncertain Significance.

NM_018122.5(DARS2):c.1118C>A (p.Pro373His)

Gene: DARS2 (aspartyl-tRNA synthetase 2, mitochondrial; plus strand). Cytogenetic location: 1q25.1.
Variant type: single nucleotide variant.
Coding change: c.1118C>A on transcript NM_018122.5 (MANE Select); coding-DNA position 1118, C replaced by A.
Protein change: p.Pro373His; replaces proline 373 with histidine.
Molecular consequence: missense variant.
Genome position (GRCh38, 1-based): chr1:173,840,963, C>A. VCF-style: chr1-173840963-C-A. GRCh37 (hg19) VCF-style: chr1-173810101-C-A.
Other names: c.1118C>A, p.Pro373His (NM_001365212.1, NM_001365213.2); c.1118C>A (NM_018122.4); short protein forms P373H.
Identifiers: ClinVar variation 1460958 (VCV001460958.6), dbSNP rs369412405, ClinGen allele CA1250316.